The following is an entry in ClinVar:

NM_012398.3(PIP5K1C):c.372C>T (p.Pro124=)

Gene: PIP5K1C (phosphatidylinositol-4-phosphate 5-kinase type 1 gamma; minus strand). Cytogenetic location: 19p13.3.
Variant type: single nucleotide variant.
Coding change: c.372C>T on transcript NM_012398.3 (MANE Select); coding-DNA position 372, C replaced by T.
Protein change: p.Pro124=; no amino-acid change (proline 124 retained).
Molecular consequence: synonymous variant.
Genome position (GRCh38, 1-based): chr19:3,661,062, G>A on the plus strand (C>T on the coding strand, the complement: PIP5K1C is on the minus strand). VCF-style: chr19-3661062-G-A. GRCh37 (hg19) VCF-style: chr19-3661060-G-A.
Other names: c.372C>T, p.Pro124= (NM_001195733.2, NM_001300849.2).
Identifiers: ClinVar variation 769945 (VCV000769945.19), dbSNP rs116791909, ClinGen allele CA9082696.

ClinVar aggregate classification (germline): Benign/Likely benign. Review status: criteria provided, multiple submitters, no conflicts (2 of 4 stars). 3 submissions from 3 submitters: Benign (1); Likely benign (2). Last evaluated 2025-10-21.

Allele frequency attached by ClinVar (database versions not stated): gnomAD exomes 0.00026 and 0.00062; ExAC 0.00071; ESP Exome Variant Server 0.00185; 1000 Genomes Project 0.00200; gnomAD 0.00205 and 0.00220; 1000 Genomes Project 30x 0.00219; TOPMed 0.00219.
gnomAD v4.1: 704 of 1,613,830 alleles (0.044%); highest among the groups gnomAD compares: African/African-American, 0.71%; 4 homozygotes.

Submissions (3):

Labcorp Genetics (formerly Invitae), Labcorp
Classification: Benign. Last evaluated: 2025-10-21. Review status: criteria provided, single submitter. Criteria: Invitae Variant Classification Sherloc (09022015). Collection method: clinical testing. Allele origin: germline.

CeGaT Center for Human Genetics Tuebingen
Classification: Likely benign. Last evaluated: 2024-12-01. Review status: criteria provided, single submitter. Criteria: CeGaT Center For Human Genetics Tuebingen Variant Classification Criteria Version 2. Collection method: clinical testing. Allele origin: germline. Affected: yes. Observed: 1 variant allele.
Comment: PIP5K1C: BP4, BP7

Blueprint Genetics
Classification: Likely benign. Last evaluated: 2024-11-13. Review status: criteria provided, single submitter. Criteria: ACMG Guidelines, 2015. Collection method: clinical testing. Allele origin: germline.